The following is an entry in ClinVar:

NM_153029.4(N4BP1):c.2441G>A (p.Arg814Gln)

Gene: N4BP1 (NEDD4 binding protein 1; minus strand). Cytogenetic location: 16q12.1.
Variant type: single nucleotide variant.
Coding change: c.2441G>A on transcript NM_153029.4 (MANE Select); coding-DNA position 2441, G replaced by A.
Protein change: p.Arg814Gln; replaces arginine 814 with glutamine.
Molecular consequence: missense variant.
Genome position (GRCh38, 1-based): chr16:48,543,154, C>T on the plus strand (G>A on the coding strand, the complement: N4BP1 is on the minus strand). VCF-style: chr16-48543154-C-T. GRCh37 (hg19) VCF-style: chr16-48577065-C-T.
Other names: short protein forms R814Q.
Identifiers: ClinVar variation 2646501 (VCV002646501.24), dbSNP rs148110587, ClinGen allele CA8045241.

ClinVar aggregate classification (germline): Likely benign (1 of 4 stars; one submission).

Allele frequency attached by ClinVar (database versions not stated): 1000 Genomes Project 30x 0.00219; 1000 Genomes Project 0.00260; ESP Exome Variant Server 0.00371; TOPMed 0.00391; gnomAD exomes 0.00579; gnomAD 0.00631; ExAC 0.00662.
gnomAD v4.1: 9,297 of 1,603,822 alleles (0.58%); highest among the groups gnomAD compares: Admixed American, 0.62%; 57 homozygotes.

Submission:

CeGaT Center for Human Genetics Tuebingen
Classification: Likely benign. Last evaluated: 2023-01-01. Review status: criteria provided, single submitter. Criteria: CeGaT Center For Human Genetics Tuebingen Variant Classification Criteria Version 2. Collection method: clinical testing. Allele origin: germline. Affected: yes. Observed: 1 variant allele.
Comment: N4BP1: BP4, BS2